The following is an entry in ClinVar:

ClinVar aggregate classification (germline): Likely benign (1 of 4 stars; one submission).

Allele frequency attached by ClinVar (database versions not stated): 1000 Genomes Project 0.00060; 1000 Genomes Project 30x 0.00062; TOPMed 0.00084; gnomAD 0.00086; gnomAD exomes 0.00156.
gnomAD v4.1: 1,593 of 1,075,602 alleles (0.15%); highest among the groups gnomAD compares: Non-Finnish European, 0.17%; 4 homozygotes.

Submission:

CeGaT Center for Human Genetics Tuebingen
Classification: Likely benign. Last evaluated: 2023-05-01. Review status: criteria provided, single submitter. Criteria: CeGaT Center For Human Genetics Tuebingen Variant Classification Criteria Version 2. Collection method: clinical testing. Allele origin: germline. Affected: yes. Observed: 3 variant alleles.
Comment: EHMT1: BS1

NM_024757.5(EHMT1):c.2712+2265C>T

Gene: EHMT1 (euchromatic histone lysine methyltransferase 1; plus strand). Cytogenetic location: 9q34.3.
Variant type: single nucleotide variant.
Coding change: c.2712+2265C>T on transcript NM_024757.5 (MANE Select); 2265 bases into the intron after coding-DNA position 2712, C replaced by T.
Molecular consequence: intron variant.
Genome position (GRCh38, 1-based): chr9:137,803,249, C>T. VCF-style: chr9-137803249-C-T. GRCh37 (hg19) VCF-style: chr9-140697701-C-T.
Other names: c.2691+2265C>T (NM_001354263.2).
Identifiers: ClinVar variation 2659840 (VCV002659840.24), dbSNP rs539740590, ClinGen allele CA201834728.
Genomic context (GRCh38, chr9:137,803,249, plus strand): 5'-TTATTTATACAATGAAACACTTCATTAATTTAACCACTTTATTGCTGTATAATAGGTAGG[C>T]TGCATATATTCAAAGTACACACTTGGGTGAATTTTCACCCAGAAGCCATTGTTGCTGTCG-3'